The following is an entry in ClinVar:

NM_019844.4(SLCO1B3):c.970+1G>C

Genes: SLCO1B3 (solute carrier organic anion transporter family member 1B3; plus strand), SLCO1B3-SLCO1B7 (SLCO1B3-SLCO1B7 readthrough; plus strand). Cytogenetic location: 12p12.2.
Variant type: single nucleotide variant.
Coding change: c.970+1G>C on transcript NM_019844.4 (MANE Select); the canonical splice donor site of the intron after coding-DNA position 970, G replaced by C.
Molecular consequence: splice donor variant.
Genome position (GRCh38, 1-based): chr12:20,875,478, G>C. VCF-style: chr12-20875478-G-C. GRCh37 (hg19) VCF-style: chr12-21028412-G-C.
Other names: c.886+1G>C (NM_001349920.2); c.970+1G>C (NM_001371097.1).
Identifiers: ClinVar variation 4991412 (VCV004991412.1).

ClinVar aggregate classification (germline): Likely pathogenic (1 of 4 stars; one submission).

Conditions:
SLCO1B3-related disorder. Also called: SLCO1B3-related condition.

gnomAD v4.1: 12 of 1,598,582 alleles (0.00075%); highest among the groups gnomAD compares: Non-Finnish European, 0.001%; no homozygotes.

Submission:

PreventionGenetics, part of Exact Sciences
Classification: Likely pathogenic for SLCO1B3-related condition. Last evaluated: 2026-07-20. Review status: criteria provided, single submitter. Criteria: ACMG Guidelines, 2015. Collection method: clinical testing. Allele origin: germline.
Comment: The SLCO1B3 c.970+1G>C variant is predicted to disrupt the GT donor site and interfere with normal splicing. To our knowledge, this variant has not been reported in the literature in individuals with SLCO1B3-related disease. This variant is reported in 0.00091% of alleles in individuals of European (Non-Finnish) descent in gnomAD. Variants that disrupt the consensus splice donor site in SLCO1B3 are expected to be pathogenic. This variant is interpreted as likely pathogenic.